The following is an entry in ClinVar:

NM_001040108.2(MLH3):c.2952A>G (p.Ser984=)

Gene: MLH3 (mutL homolog 3; minus strand). Cytogenetic location: 14q24.3.
Variant type: single nucleotide variant.
Coding change: c.2952A>G on transcript NM_001040108.2 (MANE Select); coding-DNA position 2952, A replaced by G.
Protein change: p.Ser984=; no amino-acid change (serine 984 retained).
Molecular consequence: synonymous variant.
Genome position (GRCh38, 1-based): chr14:75,046,704, T>C on the plus strand (A>G on the coding strand, the complement: MLH3 is on the minus strand). VCF-style: chr14-75046704-T-C. GRCh37 (hg19) VCF-style: chr14-75513407-T-C.
Other names: c.2952A>G, p.Ser984= (NM_014381.3).
Identifiers: ClinVar variation 3232510 (VCV003232510.2), dbSNP rs200780557, ClinGen allele CA263647848.

ClinVar aggregate classification (germline): Benign/Likely benign. Review status: criteria provided, multiple submitters, no conflicts (2 of 4 stars). 2 submissions from 2 submitters: Benign (1); Likely benign (1). Last evaluated 2026-09-18.

Conditions:
Colorectal cancer, hereditary nonpolyposis, type 7. Identifiers: Orphanet 144, MedGen C1858380, MONDO:0013725, OMIM 614385.

Allele frequency attached by ClinVar (database versions not stated): gnomAD exomes below 0.00001.

Submissions (2):

Myriad Genetics, Inc.
Classification: Benign for Colorectal cancer, hereditary nonpolyposis, type 7. Last evaluated: 2026-09-18. Review status: criteria provided, single submitter. Criteria: Myriad Autosomal Dominant, Autosomal Recessive and X-Linked Classification Criteria (2023). Collection method: clinical testing. Allele origin: unknown.
Comment: This variant is considered benign. This variant is a silent/synonymous amino acid change and it is not expected to impact splicing.

Ambry Genetics
Classification: Likely benign. Last evaluated: 2023-12-15. Review status: criteria provided, single submitter. Criteria: Ambry Variant Classification Scheme 2023. Collection method: clinical testing. Allele origin: germline.